The following is an entry in ClinVar:

NM_015450.3(POT1):c.120_124+1del

Gene: POT1 (protection of telomeres 1; minus strand). Cytogenetic location: 7q31.33.
Variant type: Deletion.
Coding change: c.120_124+1del on transcript NM_015450.3 (MANE Select); coding-DNA position 120 through the canonical splice donor site of the intron after coding-DNA position 124, 6 bases deleted (AACTGG; older notation c.120_124+1delAACTGG).
Molecular consequence: splice donor variant.
Genome position (GRCh38, 1-based): chr7:124,892,265-124,892,270, CCAGTT deleted on the plus strand (AACTGG on the coding strand, the reverse complement: POT1 is on the minus strand); deleting any 6 consecutive bases within chr7:124,892,265-124,892,272 gives the same sequence; the c. name uses the placement nearest the transcript's 3' end. VCF-style (leftmost placement, unchanged base first): chr7-124892264-ACCAGTT-A. GRCh37 (hg19) VCF-style: chr7-124532318-ACCAGTT-A.
Other names: c.-143_-139+1del (NM_001042594.2).
Identifiers: ClinVar variation 970357 (VCV000970357.8), dbSNP rs1796390112, ClinGen allele CA1139660233.

ClinVar aggregate classification (germline): Uncertain significance (1 of 4 stars; one submission).

Conditions:
Tumor predisposition syndrome 3 (TPDS3). Also called: Melanoma, cutaneous malignant, susceptibility to, 10; Glioma susceptibility 9; LONG TELOMERE SYNDROME, POT1-RELATED; POT1 Tumor Predisposition. Identifiers: Orphanet 618, MedGen C4014476, MONDO:0014368, OMIM 615848.

Submission:

Labcorp Genetics (formerly Invitae), Labcorp
Classification: Uncertain significance for Tumor predisposition syndrome 3. Last evaluated: 2019-06-13. Review status: criteria provided, single submitter. Criteria: Invitae Variant Classification Sherloc (09022015). Collection method: clinical testing. Allele origin: germline.
Comment: Experimental studies and prediction algorithms are not available or were not evaluated for this variant, and the functional significance of the affected amino acid(s) is currently unknown. In summary, the available evidence is currently insufficient to determine the role of this variant in disease. Therefore, it has been classified as a Variant of Uncertain Significance. This variant has not been reported in the literature in individuals with POT1-related conditions. This variant, c.119_124del, results in the deletion of 2 amino acid(s) of the POT1 protein (p.Gly40_Thr41del), but otherwise preserves the integrity of the reading frame. This variant is not present in population databases (ExAC no frequency).